The following is an entry in ClinVar:

NC_000019.10:g.39480758C>T

Gene: TIMM50 (translocase of inner mitochondrial membrane 50; plus strand). Cytogenetic location: 19q13.2.
Variant type: single nucleotide variant.
Genome position: GRCh38 VCF-style: chr19-39480758-C-T. GRCh37 (hg19) VCF-style: chr19-39971398-C-T.
Identifiers: ClinVar variation 1363297 (VCV001363297.8), dbSNP rs374282304, ClinGen allele CA405785616.

ClinVar aggregate classification (germline): Uncertain significance (1 of 4 stars; one submission).

Submission:

Labcorp Genetics (formerly Invitae), Labcorp
Classification: Uncertain significance. Last evaluated: 2021-06-23. Review status: criteria provided, single submitter. Criteria: Invitae Variant Classification Sherloc (09022015). Collection method: clinical testing. Allele origin: germline.
Comment: This sequence change replaces histidine with tyrosine at codon 72 of the TIMM50 protein (p.His72Tyr). The histidine residue is weakly conserved and there is a moderate physicochemical difference between histidine and tyrosine. This variant is not present in population databases (ExAC no frequency). This variant has not been reported in the literature in individuals with TIMM50-related conditions. Algorithms developed to predict the effect of missense changes on protein structure and function are either unavailable or do not agree on the potential impact of this missense change (SIFT: "Not Available"; PolyPhen-2: "Benign"; Align-GVGD: "Not Available"). In summary, the available evidence is currently insufficient to determine the role of this variant in disease. Therefore, it has been classified as a Variant of Uncertain Significance.